The following is an entry in ClinVar:

ClinVar aggregate classification (germline): Uncertain significance (1 of 4 stars; one submission).

Submission:

GeneDx
Classification: Uncertain significance. Last evaluated: 2026-03-18. Review status: criteria provided, single submitter. Criteria: GeneDx Variant Classification Process June 2021. Collection method: clinical testing. Allele origin: germline.
Comment: Not observed at significant frequency in large population cohorts (gnomAD); In silico analysis supports that this missense variant has a deleterious effect on protein structure/function; Has not been previously published as pathogenic or benign to our knowledge

NM_182972.3(IRF2BP2):c.79G>A (p.Ala27Thr)

Gene: IRF2BP2 (interferon regulatory factor 2 binding protein 2; minus strand). Cytogenetic location: 1q42.3.
Variant type: single nucleotide variant.
Coding change: c.79G>A on transcript NM_182972.3 (MANE Select); coding-DNA position 79, G replaced by A.
Protein change: p.Ala27Thr; replaces alanine 27 with threonine.
Molecular consequence: missense variant.
Genome position (GRCh38, 1-based): chr1:234,609,416, C>T on the plus strand (G>A on the coding strand, the complement: IRF2BP2 is on the minus strand). VCF-style: chr1-234609416-C-T. GRCh37 (hg19) VCF-style: chr1-234745162-C-T.
Other names: c.79G>A, p.Ala27Thr (NM_001077397.1); short protein forms A27T.
Identifiers: ClinVar variation 5009254 (VCV005009254.1).
Genomic context (GRCh38, chr1:234,609,416, plus strand): 5'-CGGCGCCCTCGTAGTTGACGCAGCCGCGGCAGACGGGTTCGGTGAAGTCCCAGATCATGG[C>T]CCAGGGCATGCGGGGCAGGTCACACAGGTAGCACGACTGCCGCCGGGACGCGGCCGCCAC-3'
Protein context (NP_892017.2, residues 17-37): YLCDLPRMPW[Ala27Thr]MIWDFTEPVC